The following is an entry in ClinVar:

ClinVar aggregate classification (germline): Uncertain significance. Review status: criteria provided, multiple submitters, no conflicts (2 of 4 stars). 2 submissions from 2 submitters: Uncertain significance (2). Last evaluated 2026-07-06.

Conditions:
Hereditary cancer-predisposing syndrome. Also called: Tumor predisposition; Hereditary Cancer Syndrome; Hereditary neoplastic syndrome; Neoplastic Syndromes, Hereditary. Identifiers: Orphanet 140162, MedGen C0027672, MeSH D009386, MONDO:0015356.

Submissions (2):

Ambry Genetics
Classification: Uncertain significance for Hereditary cancer-predisposing syndrome. Last evaluated: 2026-07-06. Review status: criteria provided, single submitter. Criteria: Ambry Variant Classification Scheme 2023. Collection method: clinical testing. Allele origin: germline.
Comment: The p.F498Y variant (also known as c.1493T>A), located in coding exon 9 of the BRCA2 gene, results from a T to A substitution at nucleotide position 1493. The phenylalanine at codon 498 is replaced by tyrosine, an amino acid with highly similar properties. This amino acid position is conserved. In addition, this alteration is predicted to be tolerated by in silico analysis. Based on the available evidence, the clinical significance of this variant remains unclear.

GeneDx
Classification: Uncertain significance. Last evaluated: 2024-01-31. Review status: criteria provided, single submitter. Criteria: GeneDx Variant Classification Process June 2021. Collection method: clinical testing. Allele origin: germline. Affected: yes.
Comment: Not observed at significant frequency in large population cohorts (gnomAD); In silico analysis supports that this missense variant does not alter protein structure/function; Has not been previously published as pathogenic or benign to our knowledge; Also known as 1721T>A

NM_000059.4(BRCA2):c.1493T>A (p.Phe498Tyr)

Gene: BRCA2 (BRCA2 DNA repair associated; plus strand). Cytogenetic location: 13q13.1.
Variant type: single nucleotide variant.
Coding change: c.1493T>A on transcript NM_000059.4 (MANE Select); coding-DNA position 1493, T replaced by A.
Protein change: p.Phe498Tyr; replaces phenylalanine 498 with tyrosine.
Molecular consequence: missense variant. On other transcripts: non-coding transcript variant (1), intron variant (1).
Genome position (GRCh38, 1-based): chr13:32,332,971, T>A. VCF-style: chr13-32332971-T-A. GRCh37 (hg19) VCF-style: chr13-32907108-T-A.
Other names: c.1493T>A, p.Phe498Tyr (NM_001406719.1, NM_001406720.1, NM_001406721.1 and 1 more transcripts); c.424+1941T>A (NM_001406722.1); short protein forms F498Y.
Identifiers: ClinVar variation 3368646 (VCV003368646.2).